The following is an entry in ClinVar:

ClinVar aggregate classification (germline): Uncertain significance. Review status: criteria provided, multiple submitters, no conflicts (2 of 4 stars). 2 submissions from 2 submitters: Uncertain significance (2). Last evaluated 2021-10-14.

Conditions:
Inborn genetic diseases. Identifiers: MedGen C0950123, MeSH D030342.
Cowden syndrome 6 (CWS6). Identifiers: Orphanet 201, MedGen C3554519, MONDO:0014048, OMIM 615109.

Submissions (2):

Ambry Genetics
Classification: Uncertain significance for Inborn genetic diseases. Last evaluated: 2021-10-14. Review status: criteria provided, single submitter. Criteria: Ambry Variant Classification Scheme 2023. Collection method: clinical testing. Allele origin: germline.
Comment: The p.D119G variant (also known as c.356A>G), located in coding exon 4 of the AKT1 gene, results from an A to G substitution at nucleotide position 356. The aspartic acid at codon 119 is replaced by glycine, an amino acid with similar properties. This amino acid position is conserved. In addition, this alteration is predicted to be tolerated by in silico analysis. Since supporting evidence is limited at this time, the clinical significance of this alteration remains unclear.

Mendelics
Classification: Uncertain significance for Cowden syndrome 6. Last evaluated: 2018-07-02. Review status: criteria provided, single submitter. Criteria: Mendelics Assertion Criteria 2017. Collection method: clinical testing. Allele origin: unknown.

NM_001382430.1(AKT1):c.356A>G (p.Asp119Gly)

Gene: AKT1 (AKT serine/threonine kinase 1; minus strand). Cytogenetic location: 14q32.33.
Variant type: single nucleotide variant.
Coding change: c.356A>G on transcript NM_001382430.1 (MANE Select); coding-DNA position 356, A replaced by G.
Protein change: p.Asp119Gly; replaces aspartic acid 119 with glycine.
Molecular consequence: missense variant.
Genome position (GRCh38, 1-based): chr14:104,775,731, T>C on the plus strand (A>G on the coding strand, the complement: AKT1 is on the minus strand). VCF-style: chr14-104775731-T-C. GRCh37 (hg19) VCF-style: chr14-105242068-T-C.
Other names: c.356A>G, p.Asp119Gly (NM_001014431.2, NM_001014432.2, NM_001382431.1 and 3 more transcripts); short protein forms D119G.
Identifiers: ClinVar variation 584875 (VCV000584875.4), dbSNP rs1566818099, ClinGen allele CA391220214.